The following is an entry in ClinVar:

ClinVar aggregate classification (germline): Uncertain significance. Review status: criteria provided, multiple submitters, no conflicts (2 of 4 stars). 5 submissions from 5 submitters: Uncertain significance (5). Last evaluated 2025-07-29.

Conditions:
Cardiovascular phenotype. Identifiers: MedGen CN230736.
Cardiomyopathy (CMYO). Also called: Cardiomyopathies. Identifiers: Orphanet 167848, MedGen C0878544, MONDO:0004994, HP:0001638. Inheritance: Various modes of inheritance.
Hypertrophic cardiomyopathy. Also called: HYPERTROPHIC MYOCARDIOPATHY. Identifiers: Orphanet 217569, MedGen C0007194, MeSH D002312, MONDO:0005045, HP:0001639.

Allele frequency attached by ClinVar (database versions not stated): gnomAD exomes below 0.00001 and 0.00002; TOPMed 0.00001; ExAC 0.00001; gnomAD 0.00001.
gnomAD v4.1: 25 of 1,608,092 alleles (0.0016%); highest among the groups gnomAD compares: East Asian, 0.0089%; no homozygotes.

Submissions (5):

Color Diagnostics, LLC DBA Color Health
Classification: Uncertain significance for Cardiomyopathy. Last evaluated: 2025-07-29. Review status: criteria provided, single submitter. Criteria: ACMG Guidelines, 2015. Collection method: clinical testing. Allele origin: germline.
Comment: This missense variant replaces arginine with histidine at codon 1037 of the MYBPC3 protein. Computational prediction suggests that this variant may not impact protein structure and function. To our knowledge, functional studies have not been reported for this variant. This variant has been reported in an individual suspected to be affected with cardiomyopathy or arrhythmia (PMID: 35947370). This variant has been identified in 1/245018 chromosomes in the general population by the Genome Aggregation Database (gnomAD). The available evidence is insufficient to determine the role of this variant in disease conclusively. Therefore, this variant is classified as a Variant of Uncertain Significance.

Labcorp Genetics (formerly Invitae), Labcorp
Classification: Uncertain significance for Hypertrophic cardiomyopathy. Last evaluated: 2025-07-08. Review status: criteria provided, single submitter. Criteria: Invitae Variant Classification Sherloc (09022015). Collection method: clinical testing. Allele origin: germline.
Comment: This sequence change replaces arginine, which is basic and polar, with histidine, which is basic and polar, at codon 1037 of the MYBPC3 protein (p.Arg1037His). The frequency data for this variant in the population databases is considered unreliable, as metrics indicate poor data quality at this position in the gnomAD database. This variant has not been reported in the literature in individuals affected with MYBPC3-related conditions. ClinVar contains an entry for this variant (Variation ID: 925263). An algorithm developed to predict the effect of missense changes on protein structure and function (PolyPhen-2) suggests that this variant is likely to be tolerated. In summary, the available evidence is currently insufficient to determine the role of this variant in disease. Therefore, it has been classified as a Variant of Uncertain Significance.

All of Us Research Program, National Institutes of Health
Classification: Uncertain significance for Hypertrophic cardiomyopathy. Last evaluated: 2023-12-01. Review status: criteria provided, single submitter. Criteria: ACMG Guidelines, 2015. Collection method: clinical testing. Allele origin: germline. Inheritance: Autosomal dominant inheritance. Observed: 4 variant alleles, 4 heterozygotes.
Comment: This missense variant replaces arginine with histidine at codon 1037 of the MYBPC3 protein. Computational prediction tool suggests that this variant may not impact protein structure and function (internally defined REVEL score threshold <=0.5, PMID: 27666373). Splice site prediction tools suggest that this variant may not impact RNA splicing. To our knowledge, functional studies have not been performed for this variant. This variant has not been reported in individuals affected with cardiovascular disorders in the literature. This variant has been identified in 1/245018 chromosomes in the general population by the Genome Aggregation Database (gnomAD). The available evidence is insufficient to determine the role of this variant in disease conclusively. Therefore, this variant is classified as a Variant of Uncertain Significance.

This study involves interpretation of variants in research participants for the purpose of population health screening. Participant phenotype was not available at the time of variant classification. Additional details can be found in publication PMID: 35346344, PMCID: PMC8962531

Ambry Genetics
Classification: Uncertain significance for Cardiovascular phenotype. Last evaluated: 2022-12-27. Review status: criteria provided, single submitter. Criteria: Ambry Variant Classification Scheme 2023. Collection method: clinical testing. Allele origin: germline.
Comment: The p.R1037H variant (also known as c.3110G>A), located in coding exon 29 of the MYBPC3 gene, results from a G to A substitution at nucleotide position 3110. The arginine at codon 1037 is replaced by histidine, an amino acid with highly similar properties. This amino acid position is highly conserved in available vertebrate species. In addition, this alteration is predicted to be tolerated by in silico analysis. Since supporting evidence is limited at this time, the clinical significance of this alteration remains unclear.

GeneDx
Classification: Uncertain significance. Last evaluated: 2019-04-26. Review status: criteria provided, single submitter. Criteria: GeneDx Variant Classification Process June 2021. Collection method: clinical testing. Allele origin: germline. Affected: yes.
Comment: Not observed at a significant frequency in large population cohorts (Lek et al., 2016); In silico analysis, which includes protein predictors and evolutionary conservation, supports a deleterious effect; Has not been previously published as pathogenic or benign to our knowledge

Literature cited by the submitters: PubMed 35947370 (cited by Color Diagnostics, LLC DBA Color Health); PubMed 28679633 (cited by Ambry Genetics).

NM_000256.3(MYBPC3):c.3110G>A (p.Arg1037His)

Gene: MYBPC3 (myosin binding protein C3; minus strand). Cytogenetic location: 11p11.2.
Variant type: single nucleotide variant.
Coding change: c.3110G>A on transcript NM_000256.3 (MANE Select); coding-DNA position 3110, G replaced by A.
Protein change: p.Arg1037His; replaces arginine 1037 with histidine.
Molecular consequence: missense variant.
Genome position (GRCh38, 1-based): chr11:47,333,637, C>T on the plus strand (G>A on the coding strand, the complement: MYBPC3 is on the minus strand). VCF-style: chr11-47333637-C-T. GRCh37 (hg19) VCF-style: chr11-47355188-C-T.
Other names: short protein forms R1037H.
Identifiers: ClinVar variation 925263 (VCV000925263.16), dbSNP rs750609594, ClinGen allele CA052599.